The following is an entry in ClinVar:

ClinVar aggregate classification (germline): Uncertain significance (1 of 4 stars; one submission).

Conditions:
Familial thoracic aortic aneurysm and aortic dissection (TAAD). Also called: Thoracic aortic aneurysms and dissections. Identifiers: Orphanet 91387, MedGen C4707243, MONDO:0019625.

Submission:

Ambry Genetics
Classification: Uncertain significance for Familial thoracic aortic aneurysm and aortic dissection. Last evaluated: 2024-08-07. Review status: criteria provided, single submitter. Criteria: Ambry Variant Classification Scheme 2023. Collection method: clinical testing. Allele origin: germline.
Comment: The p.V432L variant (also known as c.1294G>T), located in coding exon 8 of the TGFBR1 gene, results from a G to T substitution at nucleotide position 1294. The valine at codon 432 is replaced by leucine, an amino acid with highly similar properties. This amino acid position is conserved. In addition, this alteration is predicted to be deleterious by in silico analysis. Based on the available evidence, the clinical significance of this variant remains unclear.

NM_004612.4(TGFBR1):c.1294G>T (p.Val432Leu)

Gene: TGFBR1 (transforming growth factor beta receptor 1; plus strand). Cytogenetic location: 9q22.33.
Variant type: single nucleotide variant.
Coding change: c.1294G>T on transcript NM_004612.4 (MANE Select); coding-DNA position 1294, G replaced by T.
Protein change: p.Val432Leu; replaces valine 432 with leucine.
Molecular consequence: missense variant. On other transcripts: non-coding transcript variant (4).
Genome position (GRCh38, 1-based): chr9:99,147,692, G>T. VCF-style: chr9-99147692-G-T. GRCh37 (hg19) VCF-style: chr9-101909974-G-T.
Other names: c.1063G>T, p.Val355Leu (NM_001130916.3, NM_001407435.1); c.1306G>T, p.Val436Leu (NM_001306210.2); c.1138G>T, p.Val380Leu (NM_001407416.1); c.1126G>T, p.Val376Leu (NM_001407417.1); c.1099G>T, p.Val367Leu (NM_001407418.1, NM_001407419.1, NM_001407420.1 and 1 more transcripts); c.1087G>T, p.Val363Leu (NM_001407423.1, NM_001407424.1, NM_001407425.1 and 8 more transcripts); c.1048G>T, p.Val350Leu (NM_001407436.1); c.586G>T, p.Val196Leu (NM_001407437.1); and 1 more; short protein forms V350L, V432L, V196L, V273L, V363L, V380L, V436L, V355L.
Identifiers: ClinVar variation 3455826 (VCV003455826.1).